The following is an entry in ClinVar:

NM_001379200.1(TBX1):c.1369C>T (p.Pro457Ser)

Gene: TBX1 (T-box transcription factor 1; plus strand). Cytogenetic location: 22q11.21.
Variant type: single nucleotide variant.
Coding change: c.1369C>T on transcript NM_001379200.1 (MANE Select); coding-DNA position 1369, C replaced by T.
Protein change: p.Pro457Ser; replaces proline 457 with serine.
Molecular consequence: missense variant. On other transcripts: intron variant (2).
Genome position (GRCh38, 1-based): chr22:19,766,721, C>T. VCF-style: chr22-19766721-C-T. GRCh37 (hg19) VCF-style: chr22-19754244-C-T.
Other names: c.1342C>T, p.Pro448Ser (NM_080647.1); c.1009+719C>T (NM_005992.1, NM_080646.2); short protein forms P448S, P457S.
Identifiers: ClinVar variation 2746663 (VCV002746663.5), dbSNP rs2517859198, ClinGen allele CA410685165.

ClinVar aggregate classification (germline): Uncertain significance. Review status: criteria provided, multiple submitters, no conflicts (2 of 4 stars). 3 submissions from 3 submitters: Uncertain significance (3). Last evaluated 2025-10-27.

Conditions:
DiGeorge syndrome. Also called: THIRD AND FOURTH PHARYNGEAL POUCH SYNDROME; Catch22. Identifiers: Orphanet 567, MedGen C0012236, MONDO:0008564, OMIM 188400.
Cardiovascular phenotype. Identifiers: MedGen CN230736.

Allele frequency attached by ClinVar (database versions not stated): gnomAD exomes below 0.00001.
gnomAD v4.1: 5 of 1,543,386 alleles (0.00032%); highest among the groups gnomAD compares: Non-Finnish European, 0.00043%; no homozygotes.

Submissions (3):

Ambry Genetics
Classification: Uncertain significance for Cardiovascular phenotype. Last evaluated: 2025-10-27. Review status: criteria provided, single submitter. Criteria: Ambry Variant Classification Scheme 2023. Collection method: clinical testing. Allele origin: germline.
Comment: The p.P448S variant (also known as c.1342C>T), located in coding exon 8 of the TBX1 gene, results from a C to T substitution at nucleotide position 1342. The proline at codon 448 is replaced by serine, an amino acid with similar properties. This amino acid position is conserved. In addition, this alteration is predicted to be tolerated by in silico analysis. Based on the available evidence, the clinical significance of this variant remains unclear.

Labcorp Genetics (formerly Invitae), Labcorp
Classification: Uncertain significance for DiGeorge syndrome. Last evaluated: 2023-05-29. Review status: criteria provided, single submitter. Criteria: Invitae Variant Classification Sherloc (09022015). Collection method: clinical testing. Allele origin: germline.
Comment: In summary, the available evidence is currently insufficient to determine the role of this variant in disease. Therefore, it has been classified as a Variant of Uncertain Significance. This sequence change replaces proline, which is neutral and non-polar, with serine, which is neutral and polar, at codon 448 of the TBX1 protein (p.Pro448Ser). This variant is not present in population databases (gnomAD no frequency). This variant has not been reported in the literature in individuals affected with TBX1-related conditions. An algorithm developed to predict the effect of missense changes on protein structure and function (PolyPhen-2) suggests that this variant is likely to be disruptive.

Blueprint Genetics
Classification: Uncertain significance. Last evaluated: 2022-10-27. Review status: criteria provided, single submitter. Criteria: ACMG Guidelines, 2015. Collection method: clinical testing. Allele origin: germline.